The following is an entry in ClinVar:

NM_007294.4(BRCA1):c.1718del (p.Ser573fs)

Gene: BRCA1 (BRCA1 DNA repair associated; minus strand). Cytogenetic location: 17q21.31.
Variant type: Deletion.
Coding change: c.1718del on transcript NM_007294.4 (MANE Select); coding-DNA position 1718, one base deleted (C; older notation c.1718delC).
Protein change: p.Ser573fs; shifts the reading frame from serine 573.
Molecular consequence: frameshift variant. On other transcripts: intron variant (137).
Genome position (GRCh38, 1-based): chr17:43,093,813, G deleted on the plus strand (C on the coding strand, the reverse complement: BRCA1 is on the minus strand). VCF-style (leftmost placement, unchanged base first): chr17-43093812-TG-T. GRCh37 (hg19) VCF-style: chr17-41245829-TG-T.
Other names: c.1592del, p.Ser531fs (NM_001407688.1, NM_001407689.1, NM_001407690.1 and 11 more transcripts); c.1577del, p.Ser526fs (NM_001407692.1, NM_001407694.1, NM_001407695.1 and 29 more transcripts); c.1574del, p.Ser525fs (NM_001407740.1, NM_001407741.1, NM_001407742.1 and 20 more transcripts); c.1505del, p.Ser502fs (NM_001407571.1, NM_001407853.1, NM_001407894.1 and 9 more transcripts); c.1718del, p.Ser573fs (NM_001407581.1, NM_001407582.1, NM_001407583.1 and 30 more transcripts); c.1715del, p.Ser572fs (NM_001407587.1, NM_001407590.1, NM_001407591.1 and 22 more transcripts); c.1709del, p.Ser570fs (NM_001407646.1, NM_001407647.1); c.1595del, p.Ser532fs (NM_001407648.1, NM_001407664.1, NM_001407665.1 and 19 more transcripts); and 40 more; short protein forms S277fs, S405fs, S445fs, S446fs, S461fs, S462fs, S484fs, S485fs.
Identifiers: ClinVar variation 2674434 (VCV002674434.1), dbSNP rs2552199592, ClinGen allele CA2695199933.

ClinVar aggregate classification (germline): Pathogenic (1 of 4 stars; one submission).

Conditions:
Breast-ovarian cancer, familial, susceptibility to, 1 (BROVCA1). Also called: BRCA1 Hereditary Breast and Ovarian Cancer; OVARIAN CANCER, SUSCEPTIBILITY TO. Identifiers: Orphanet 145, MedGen C2676676, MONDO:0011450, OMIM 604370. Disease mechanism: loss of function.

Submission:

Myriad Genetics, Inc.
Classification: Pathogenic for Breast-ovarian cancer, familial, susceptibility to, 1. Last evaluated: 2023-07-07. Review status: criteria provided, single submitter. Criteria: Myriad Autosomal Dominant, Autosomal Recessive and X-Linked Classification Criteria (2023). Collection method: clinical testing. Allele origin: unknown.
Comment: This variant is considered pathogenic. This variant creates a frameshift predicted to result in premature protein truncation.